The following is an entry in ClinVar:

ClinVar aggregate classification (germline): Uncertain significance (1 of 4 stars; one submission).

Allele frequency attached by ClinVar (database versions not stated): ExAC 0.00001; gnomAD exomes 0.00001; TOPMed 0.00003; gnomAD 0.00002; ESP Exome Variant Server 0.00008.

Submission:

Labcorp Genetics (formerly Invitae), Labcorp
Classification: Uncertain significance. Last evaluated: 2025-09-08. Review status: criteria provided, single submitter. Criteria: Invitae Variant Classification Sherloc (09022015). Collection method: clinical testing. Allele origin: germline.
Comment: This sequence change replaces arginine, which is basic and polar, with cysteine, which is neutral and slightly polar, at codon 411 of the ASXL1 protein (p.Arg411Cys). This variant is present in population databases (rs148964601, gnomAD 0.01%). This variant has not been reported in the literature in individuals affected with ASXL1-related conditions. ClinVar contains an entry for this variant (Variation ID: 2891314). An algorithm developed to predict the effect of missense changes on protein structure and function (PolyPhen-2) suggests that this variant is likely to be disruptive. In summary, the available evidence is currently insufficient to determine the role of this variant in disease. Therefore, it has been classified as a Variant of Uncertain Significance.

NM_015338.6(ASXL1):c.1231C>T (p.Arg411Cys)

Gene: ASXL1 (ASXL transcriptional regulator 1; plus strand). Cytogenetic location: 20q11.21.
Variant type: single nucleotide variant.
Coding change: c.1231C>T on transcript NM_015338.6 (MANE Select); coding-DNA position 1231, C replaced by T.
Protein change: p.Arg411Cys; replaces arginine 411 with cysteine.
Molecular consequence: missense variant.
Genome position (GRCh38, 1-based): chr20:32,433,429, C>T. VCF-style: chr20-32433429-C-T. GRCh37 (hg19) VCF-style: chr20-31021232-C-T.
Other names: c.1048C>T, p.Arg350Cys (NM_001363734.1); short protein forms R411C, R350C.
Identifiers: ClinVar variation 2891314 (VCV002891314.3), dbSNP rs148964601, ClinGen allele CA9808322.
Genomic context (GRCh38, chr20:32,433,429, plus strand): 5'-GAATCAGTGCGTATACAGCGTGGTCCAGCCACCCGACAGCGAGATGGGCATTTTAAGAAA[C>T]GCTCTCGGCCAGATCTCCGAACCAGAGCCAGAAGGAATCTGTACAAAAAACAGGAGTCAG-3'
Protein context (NP_056153.2, residues 401-421): TRQRDGHFKK[Arg411Cys]SRPDLRTRAR